The following is an entry in ClinVar:

NM_000083.3(CLCN1):c.1090G>A (p.Val364Ile)

Gene: CLCN1 (chloride voltage-gated channel 1; plus strand). Cytogenetic location: 7q34.
Variant type: single nucleotide variant.
Coding change: c.1090G>A on transcript NM_000083.3 (MANE Select); coding-DNA position 1090, G replaced by A.
Protein change: p.Val364Ile; replaces valine 364 with isoleucine.
Molecular consequence: missense variant. On other transcripts: non-coding transcript variant (1).
Genome position (GRCh38, 1-based): chr7:143,331,576, G>A. VCF-style: chr7-143331576-G-A. GRCh37 (hg19) VCF-style: chr7-143028669-G-A.
Other names: short protein forms V364I.
Identifiers: ClinVar variation 1807055 (VCV001807055.4), dbSNP rs147933742, ClinGen allele CA4537241.

ClinVar aggregate classification (germline): Uncertain significance. Review status: criteria provided, multiple submitters, no conflicts (2 of 4 stars). 2 submissions from 2 submitters: Uncertain significance (2). Last evaluated 2022-12-15.

Conditions:
Congenital myotonia, autosomal recessive form. Also called: BECKER DISEASE; Becker Generalized Myotonia; myotonia congenita, autosomal recessive. Identifiers: Orphanet 614, MedGen C0751360, MONDO:0009715, OMIM 255700.
Congenital myotonia, autosomal dominant form (THD). Also called: THOMSEN DISEASE; Myotonia congenita autosomal dominant. Identifiers: Orphanet 614, MedGen C2936781, MONDO:0008055, OMIM 160800.

Allele frequency attached by ClinVar (database versions not stated): 1000 Genomes Project 0.00020; TOPMed below 0.00001; gnomAD 0.00001; ExAC 0.00002; 1000 Genomes Project 30x 0.00016.
gnomAD v4.1: 17 of 1,614,014 alleles (0.0011%); highest among the groups gnomAD compares: East Asian, 0.0045%; no homozygotes.

Submissions (2):

Labcorp Genetics (formerly Invitae), Labcorp
Classification: Uncertain significance for Congenital myotonia, autosomal recessive form; Congenital myotonia, autosomal dominant form. Last evaluated: 2022-12-15. Review status: criteria provided, single submitter. Criteria: Invitae Variant Classification Sherloc (09022015). Collection method: clinical testing. Allele origin: germline.
Comment: This sequence change replaces valine, which is neutral and non-polar, with isoleucine, which is neutral and non-polar, at codon 364 of the CLCN1 protein (p.Val364Ile). This variant has not been reported in the literature in individuals affected with CLCN1-related conditions. This variant is present in population databases (rs147933742, gnomAD 0.006%). In summary, the available evidence is currently insufficient to determine the role of this variant in disease. Therefore, it has been classified as a Variant of Uncertain Significance. Algorithms developed to predict the effect of missense changes on protein structure and function (SIFT, PolyPhen-2, Align-GVGD) all suggest that this variant is likely to be tolerated.

Athena Diagnostics
Classification: Uncertain significance. Last evaluated: 2021-08-05. Review status: criteria provided, single submitter. Criteria: Athena Diagnostics Criteria. Collection method: clinical testing. Allele origin: unknown.